The following is an entry in ClinVar:

ClinVar aggregate classification (germline): Uncertain significance (1 of 4 stars; one submission).

Submission:

Labcorp Genetics (formerly Invitae), Labcorp
Classification: Uncertain significance. Last evaluated: 2022-08-10. Review status: criteria provided, single submitter. Criteria: Invitae Variant Classification Sherloc (09022015). Collection method: clinical testing. Allele origin: germline.
Comment: ClinVar contains an entry for this variant (Variation ID: 1349699). This variant has not been reported in the literature in individuals affected with SPEG-related conditions. This variant is not present in population databases (gnomAD no frequency). This sequence change replaces glutamic acid, which is acidic and polar, with lysine, which is basic and polar, at codon 198 of the SPEG protein (p.Glu198Lys). Algorithms developed to predict the effect of missense changes on protein structure and function are either unavailable or do not agree on the potential impact of this missense change (SIFT: "Deleterious"; PolyPhen-2: "Benign"; Align-GVGD: "Class C0"). In summary, the available evidence is currently insufficient to determine the role of this variant in disease. Therefore, it has been classified as a Variant of Uncertain Significance.

NM_005876.5(SPEG):c.592G>A (p.Glu198Lys)

Gene: SPEG (striated muscle enriched protein kinase; plus strand). Cytogenetic location: 2q35.
Variant type: single nucleotide variant.
Coding change: c.592G>A on transcript NM_005876.5 (MANE Select); coding-DNA position 592, G replaced by A.
Protein change: p.Glu198Lys; replaces glutamic acid 198 with lysine.
Molecular consequence: missense variant.
Genome position (GRCh38, 1-based): chr2:219,444,938, G>A. VCF-style: chr2-219444938-G-A. GRCh37 (hg19) VCF-style: chr2-220309660-G-A.
Other names: short protein forms E198K.
Identifiers: ClinVar variation 1349699 (VCV001349699.8), dbSNP rs371146997, ClinGen allele CA350711281.